The following is an entry in ClinVar:

ClinVar aggregate classification (germline): Conflicting classifications of pathogenicity. Review status: criteria provided, conflicting classifications (1 of 4 stars). 3 submissions from 3 submitters: Uncertain significance (2); Likely benign (1). Last evaluated 2023-02-25.

Conditions:
Hereditary breast ovarian cancer syndrome. Also called: Hereditary breast and ovarian cancer; Hereditary breast and/or ovarian cancer syndrome; Hereditary breast and ovarian cancer syndrome; Hereditary breast and ovarian cancer syndrome (HBOC); BRCA1- and BRCA2-Associated Hereditary Breast and Ovarian Cancer; Breast and ovarian cancer. Identifiers: Orphanet 145, MedGen C0677776, MeSH D061325, MONDO:0003582. Disease mechanism: loss of function.
Hereditary cancer-predisposing syndrome. Also called: Tumor predisposition; Hereditary neoplastic syndrome; Neoplastic Syndromes, Hereditary; Hereditary Cancer Syndrome. Identifiers: Orphanet 140162, MedGen C0027672, MeSH D009386, MONDO:0015356.

Allele frequency attached by ClinVar (database versions not stated): gnomAD exomes below 0.00001.
gnomAD v4.1: 1 of 1,613,638 alleles (0.000062%); highest among the groups gnomAD compares: Non-Finnish European, 0.000085%; no homozygotes.

Submissions (3):

Ambry Genetics
Classification: Likely benign for Hereditary cancer-predisposing syndrome. Last evaluated: 2023-02-25. Review status: criteria provided, single submitter. Criteria: Ambry Variant Classification Scheme 2023. Collection method: clinical testing. Allele origin: germline.

Color Diagnostics, LLC DBA Color Health
Classification: Uncertain significance for Hereditary cancer-predisposing syndrome. Last evaluated: 2022-09-06. Review status: criteria provided, single submitter. Criteria: ACMG Guidelines, 2015. Collection method: clinical testing. Allele origin: germline.
Comment: This missense variant replaces lysine with threonine at codon 100 of the BRCA2 protein. Computational prediction suggests that this variant may not impact protein structure and function (internally defined REVEL score threshold <= 0.5, PMID: 27666373). To our knowledge, functional studies have not been reported for this variant. This variant has not been reported in individuals affected with hereditary cancer in the literature. This variant has not been identified in the general population by the Genome Aggregation Database (gnomAD). The available evidence is insufficient to determine the role of this variant in disease conclusively. Therefore, this variant is classified as a Variant of Uncertain Significance.

Labcorp Genetics (formerly Invitae), Labcorp
Classification: Uncertain significance for Hereditary breast ovarian cancer syndrome. Last evaluated: 2021-10-28. Review status: criteria provided, single submitter. Criteria: Invitae Variant Classification Sherloc (09022015). Collection method: clinical testing. Allele origin: germline.
Comment: In summary, the available evidence is currently insufficient to determine the role of this variant in disease. Therefore, it has been classified as a Variant of Uncertain Significance. Advanced modeling of protein sequence and biophysical properties (such as structural, functional, and spatial information, amino acid conservation, physicochemical variation, residue mobility, and thermodynamic stability) performed at Invitae indicates that this missense variant is not expected to disrupt BRCA2 protein function. ClinVar contains an entry for this variant (Variation ID: 950338). This variant has not been reported in the literature in individuals affected with BRCA2-related conditions. This variant is not present in population databases (gnomAD no frequency). This sequence change replaces lysine, which is basic and polar, with threonine, which is neutral and polar, at codon 100 of the BRCA2 protein (p.Lys100Thr).

NM_000059.4(BRCA2):c.299A>C (p.Lys100Thr)

Gene: BRCA2 (BRCA2 DNA repair associated; plus strand). Cytogenetic location: 13q13.1.
Variant type: single nucleotide variant.
Coding change: c.299A>C on transcript NM_000059.4 (MANE Select); coding-DNA position 299, A replaced by C.
Protein change: p.Lys100Thr; replaces lysine 100 with threonine.
Molecular consequence: missense variant.
Genome position (GRCh38, 1-based): chr13:32,319,308, A>C. VCF-style: chr13-32319308-A-C. GRCh37 (hg19) VCF-style: chr13-32893445-A-C.
Other names: short protein forms K100T.
Identifiers: ClinVar variation 950338 (VCV000950338.11), dbSNP rs2072290145, ClinGen allele CA387754667.